The following is an entry in ClinVar:

NM_004370.6(COL12A1):c.2825T>C (p.Leu942Pro)

Gene: COL12A1 (collagen type XII alpha 1 chain; minus strand). Cytogenetic location: 6q13.
Variant type: single nucleotide variant.
Coding change: c.2825T>C on transcript NM_004370.6 (MANE Select); coding-DNA position 2825, T replaced by C.
Protein change: p.Leu942Pro; replaces leucine 942 with proline.
Molecular consequence: missense variant. On other transcripts: intron variant (1).
Genome position (GRCh38, 1-based): chr6:75,165,665, A>G on the plus strand (T>C on the coding strand, the complement: COL12A1 is on the minus strand). VCF-style: chr6-75165665-A-G. GRCh37 (hg19) VCF-style: chr6-75875381-A-G.
Other names: c.2825T>C (NM_004370.5); c.74-13183T>C (NM_080645.3); short protein forms L942P.
Identifiers: ClinVar variation 1472717 (VCV001472717.8), dbSNP rs2149438769, ClinGen allele CA364758255.

ClinVar aggregate classification (germline): Uncertain significance. Review status: criteria provided, multiple submitters, no conflicts (2 of 4 stars). 2 submissions from 2 submitters: Uncertain significance (2). Last evaluated 2022-09-26.

Conditions:
Bethlem myopathy 2 (BTHLM2). Identifiers: Orphanet 536516, Orphanet 610, MedGen C4225313, MONDO:0034022, OMIM 616471.
Ullrich congenital muscular dystrophy 2 (UCMD2). Identifiers: Orphanet 75840, MedGen C4225314, MONDO:0014654, OMIM 616470.

Submissions (2):

GeneDx
Classification: Uncertain significance. Last evaluated: 2022-09-26. Review status: criteria provided, single submitter. Criteria: GeneDx Variant Classification Process June 2021. Collection method: clinical testing. Allele origin: germline. Affected: yes.
Comment: Not observed at significant frequency in large population cohorts (gnomAD); In silico analysis supports that this missense variant does not alter protein structure/function; Has not been previously published as pathogenic or benign to our knowledge

Labcorp Genetics (formerly Invitae), Labcorp
Classification: Uncertain significance for Bethlem myopathy 2; Ullrich congenital muscular dystrophy 2. Last evaluated: 2020-11-27. Review status: criteria provided, single submitter. Criteria: Invitae Variant Classification Sherloc (09022015). Collection method: clinical testing. Allele origin: germline.
Comment: This sequence change replaces leucine with proline at codon 942 of the COL12A1 protein (p.Leu942Pro). The leucine residue is moderately conserved and there is a moderate physicochemical difference between leucine and proline. This variant is not present in population databases (ExAC no frequency). This variant has not been reported in the literature in individuals with COL12A1-related conditions. Algorithms developed to predict the effect of missense changes on protein structure and function are either unavailable or do not agree on the potential impact of this missense change (SIFT: "Deleterious"; PolyPhen-2: "Possibly Damaging"; Align-GVGD: "Class C0"). In summary, the available evidence is currently insufficient to determine the role of this variant in disease. Therefore, it has been classified as a Variant of Uncertain Significance.